The following is an entry in ClinVar:

NC_000023.10:g.(?_32486595)_(32486847_?)del

Gene: DMD (dystrophin; minus strand). Cytogenetic location: Xp21.1.
Variant type: Deletion.
Identifiers: ClinVar variation 2424871 (VCV002424871.5).

ClinVar aggregate classification (germline): Uncertain significance (1 of 4 stars; one submission).

Conditions:
Duchenne muscular dystrophy (DMD). Also called: Duchenne Muscular Dystrophy (DMD); MUSCULAR DYSTROPHY, PSEUDOHYPERTROPHIC PROGRESSIVE, DUCHENNE TYPE. Identifiers: Orphanet 98896, MedGen C0013264, MONDO:0010679, OMIM 310200.

Submission:

Labcorp Genetics (formerly Invitae), Labcorp
Classification: Uncertain significance for Duchenne muscular dystrophy. Last evaluated: 2022-08-03. Review status: criteria provided, single submitter. Criteria: Invitae Variant Classification Sherloc (09022015). Collection method: clinical testing. Allele origin: germline.
Comment: This variant has not been reported in the literature in individuals affected with DMD-related conditions. In summary, the available evidence is currently insufficient to determine the role of this variant in disease. Therefore, it has been classified as a Variant of Uncertain Significance. Experimental studies and prediction algorithms are not available or were not evaluated, and the functional significance of this variant is currently unknown. This variant is a gross deletion of the genomic region encompassing exon(s) 23 of the DMD gene. This variant would be expected to be in-frame, preserving the integrity of the reading frame.